The following is an entry in ClinVar:

NM_015386.3(COG4):c.1472C>G (p.Ser491Cys)

Gene: COG4 (component of oligomeric golgi complex 4; minus strand). Cytogenetic location: 16q22.1.
Variant type: single nucleotide variant.
Coding change: c.1472C>G on transcript NM_015386.3 (MANE Select); coding-DNA position 1472, C replaced by G.
Protein change: p.Ser491Cys; replaces serine 491 with cysteine.
Molecular consequence: missense variant. On other transcripts: non-coding transcript variant (1).
Genome position (GRCh38, 1-based): chr16:70,497,230, G>C on the plus strand (C>G on the coding strand, the complement: COG4 is on the minus strand). VCF-style: chr16-70497230-G-C. GRCh37 (hg19) VCF-style: chr16-70531133-G-C.
Other names: c.1460C>G, p.Ser487Cys (NM_001195139.2); c.1046C>G, p.Ser349Cys (NM_001365426.1); short protein forms S491C, S487C, S349C.
Identifiers: ClinVar variation 583059 (VCV000583059.1), dbSNP rs1567729648, ClinGen allele CA396573158.

ClinVar aggregate classification (germline): Uncertain significance (1 of 4 stars; one submission).

Conditions:
COG4-congenital disorder of glycosylation. Also called: CONGENITAL DISORDER OF GLYCOSYLATION, TYPE IIj; CDG IIj; COG4-CDG. Identifiers: Orphanet 263501, MedGen C4303552, MONDO:0013281, OMIM 613489.

Submission:

Labcorp Genetics (formerly Invitae), Labcorp
Classification: Uncertain significance for Congenital disorder of glycosylation type 2J. Last evaluated: 2018-01-22. Review status: criteria provided, single submitter. Criteria: Invitae Variant Classification Sherloc (09022015). Collection method: clinical testing. Allele origin: germline.
Comment: This sequence change replaces serine with cysteine at codon 491 of the COG4 protein (p.Ser491Cys). The serine residue is moderately conserved and there is a moderate physicochemical difference between serine and cysteine. This variant is not present in population databases (ExAC no frequency). This variant has not been reported in the literature in individuals with COG4-related disease. Algorithms developed to predict the effect of missense changes on protein structure and function do not agree on the potential impact of this missense change (SIFT: "Deleterious"; PolyPhen-2: "Possibly Damaging"; Align-GVGD: "Class C15"). In summary, the available evidence is currently insufficient to determine the role of this variant in disease. Therefore, it has been classified as a Variant of Uncertain Significance.